The following is an entry in ClinVar:

ClinVar aggregate classification (germline): Uncertain significance (1 of 4 stars; one submission).

Conditions:
Aortic aneurysm, familial thoracic 8 (AAT8). Identifiers: MedGen C3809513, MONDO:0014187, OMIM 615436.

Submission:

Labcorp Genetics (formerly Invitae), Labcorp
Classification: Uncertain significance for Aortic aneurysm, familial thoracic 8. Last evaluated: 2023-08-03. Review status: criteria provided, single submitter. Criteria: Invitae Variant Classification Sherloc (09022015). Collection method: clinical testing. Allele origin: germline.
Comment: In summary, the available evidence is currently insufficient to determine the role of this variant in disease. Therefore, it has been classified as a Variant of Uncertain Significance. An algorithm developed to predict the effect of missense changes on protein structure and function (PolyPhen-2) suggests that this variant is likely to be disruptive. This variant has not been reported in the literature in individuals affected with PRKG1-related conditions. This variant is not present in population databases (gnomAD no frequency). This sequence change replaces leucine, which is neutral and non-polar, with phenylalanine, which is neutral and non-polar, at codon 11 of the PRKG1 protein (p.Leu11Phe).

NM_006258.4(PRKG1):c.31C>T (p.Leu11Phe)

Gene: PRKG1 (protein kinase cGMP-dependent 1; plus strand). Cytogenetic location: 10q11.23.
Variant type: single nucleotide variant.
Coding change: c.31C>T on transcript NM_006258.4 (MANE Select); coding-DNA position 31, C replaced by T.
Protein change: p.Leu11Phe; replaces leucine 11 with phenylalanine.
Molecular consequence: missense variant. On other transcripts: intron variant (1).
Genome position (GRCh38, 1-based): chr10:51,074,621, C>T. VCF-style: chr10-51074621-C-T. GRCh37 (hg19) VCF-style: chr10-52834381-C-T.
Other names: c.31C>T, p.Leu11Phe (NM_001374782.1); c.267-78543C>T (NM_001098512.3); short protein forms L11F.
Identifiers: ClinVar variation 2792255 (VCV002792255.3), dbSNP rs2493151790, ClinGen allele CA376826631.